The following is an entry in ClinVar:

ClinVar aggregate classification (germline): Pathogenic (1 of 4 stars; one submission).

Submission:

GeneDx
Classification: Pathogenic. Last evaluated: 2023-10-28. Review status: criteria provided, single submitter. Criteria: GeneDx Variant Classification Process June 2021. Collection method: clinical testing. Allele origin: germline. Affected: yes.
Comment: Frameshift variant predicted to result in abnormal protein length as the last 815 amino acids are replaced with 25 different amino acids, and other similar variants have been reported in HGMD; Not observed at significant frequency in large population cohorts (gnomAD); This variant is associated with the following publications: (PMID: 31200758)

NM_006662.3(SRCAP):c.7245_7246del (p.Ser2416fs)

Gene: SRCAP (Snf2 related CREBBP activator protein; plus strand). Cytogenetic location: 16p11.2.
Variant type: Microsatellite.
Coding change: c.7245_7246del on transcript NM_006662.3 (MANE Select); coding-DNA positions 7245 to 7246, 2 bases deleted (AT; older notation c.7245_7246delAT).
Protein change: p.Ser2416fs; shifts the reading frame from serine 2416.
Molecular consequence: frameshift variant.
Genome position (GRCh38, 1-based): chr16:30,737,285-30,737,286, AT deleted; deleting any 2 consecutive bases within chr16:30,737,283-30,737,286 gives the same sequence; the c. name uses the placement nearest the transcript's 3' end. VCF-style (leftmost placement, unchanged base first): chr16-30737282-CAT-C. GRCh37 (hg19) VCF-style: chr16-30748603-CAT-C.
Other names: short protein forms S2416fs.
Identifiers: ClinVar variation 3340716 (VCV003340716.1).
Genomic context (GRCh38, chr16:30,737,282, plus strand): 5'-TGTCAGTGAGCGTCTTCGTGGAGCCCGGGCTGAGACTCAAGGGGCAAACCACACTCCTGT[CAT>C]ATCCGCCCATCAAACTCGCAGCACCACCACACCACCCCGCTGCAGTCCTGCCAGGGAGCG-3'